The following is an entry in ClinVar:

ClinVar aggregate classification (germline): Uncertain significance (1 of 4 stars; one submission).

Conditions:
Cardiovascular phenotype. Identifiers: MedGen CN230736.

Submission:

Ambry Genetics
Classification: Uncertain significance for Cardiovascular phenotype. Last evaluated: 2024-11-02. Review status: criteria provided, single submitter. Criteria: Ambry Variant Classification Scheme 2023. Collection method: clinical testing. Allele origin: germline.
Comment: The p.R193S variant (also known as c.579G>T), located in coding exon 5 of the LIPA gene, results from a G to T substitution at nucleotide position 579. The arginine at codon 193 is replaced by serine, an amino acid with dissimilar properties. This amino acid position is conserved. In addition, this alteration is predicted to be tolerated by in silico analysis. Based on the available evidence, the clinical significance of this variant remains unclear.

NM_000235.4(LIPA):c.579G>T (p.Arg193Ser)

Gene: LIPA (lipase A, lysosomal acid type; minus strand). Cytogenetic location: 10q23.31.
Variant type: single nucleotide variant.
Coding change: c.579G>T on transcript NM_000235.4 (MANE Select); coding-DNA position 579, G replaced by T.
Protein change: p.Arg193Ser; replaces arginine 193 with serine.
Molecular consequence: missense variant.
Genome position (GRCh38, 1-based): chr10:89,225,188, C>A on the plus strand (G>T on the coding strand, the complement: LIPA is on the minus strand). VCF-style: chr10-89225188-C-A. GRCh37 (hg19) VCF-style: chr10-90984945-C-A.
Other names: c.231G>T, p.Arg77Ser (NM_001288979.2); c.579G>T, p.Arg193Ser (NM_001127605.3); short protein forms R77S, R193S.
Identifiers: ClinVar variation 3538439 (VCV003538439.1).